The following is an entry in ClinVar:

ClinVar aggregate classification (germline): Pathogenic/Likely pathogenic. Review status: criteria provided, multiple submitters, no conflicts (2 of 4 stars). 4 submissions from 4 submitters: Pathogenic (2); Likely pathogenic (1). 1 of the submissions does not count toward it. Last evaluated 2026-07-30.

Conditions:
Hereditary cancer-predisposing syndrome. Also called: Hereditary Cancer Syndrome; Neoplastic Syndromes, Hereditary; Tumor predisposition; Hereditary neoplastic syndrome. Identifiers: Orphanet 140162, MedGen C0027672, MeSH D009386, MONDO:0015356.
Familial cancer of breast. Also called: BREAST CANCER, FAMILIAL; Hereditary breast cancer; hereditary breast carcinoma. Identifiers: Orphanet 227535, MedGen C0346153, MONDO:0016419, OMIM 114480. Disease mechanism: loss of function.
Ataxia-telangiectasia syndrome (AT). Also called: Cerebello-oculocutaneous telangiectasia; Immunodeficiency with ataxia telangiectasia; Ataxia-telangiectasia, complementation group E; Ataxia-telangiectasia, complementation group D; AT, COMPLEMENTATION GROUP C; ATAXIA-TELANGIECTASIA, COMPLEMENTATION GROUP A. Identifiers: Orphanet 100, MedGen C0004135, MONDO:0008840, OMIM 208900.

Submissions (4):

Myriad Genetics, Inc.
Classification: Pathogenic for Familial cancer of breast. Last evaluated: 2026-07-30. Review status: criteria provided, single submitter. Criteria: Myriad Autosomal Dominant, Autosomal Recessive and X-Linked Classification Criteria (2023). Collection method: clinical testing. Allele origin: unknown.
Comment: This variant is considered pathogenic. This variant occurs within a consensus splice junction and is predicted to result in abnormal mRNA splicing of either an out-of-frame exon or an in-frame exon necessary for protein stability and/or normal function. mRNA analysis has demonstrated abnormal mRNA splicing occurs [Myriad internal data].

Labcorp Genetics (formerly Invitae), Labcorp
Classification: Pathogenic for Ataxia-telangiectasia syndrome. Last evaluated: 2025-09-15. Review status: criteria provided, single submitter. Criteria: Invitae Variant Classification Sherloc (09022015). Collection method: clinical testing. Allele origin: germline.
Comment: This sequence change affects a donor splice site in intron 52 of the ATM gene. RNA analysis indicates that disruption of this splice site induces altered splicing and may result in an absent or altered protein product. This variant is not present in population databases (gnomAD no frequency). Disruption of this splice site has been observed in individual(s) with clinical features of autosomal recessive ATM-related conditions (internal data). In at least one individual the data is consistent with being in trans (on the opposite chromosome) from a pathogenic variant. ClinVar contains an entry for this variant (Variation ID: 565420). Studies have shown that disruption of this splice site results in skipping of exon 52, and produces a non-functional protein and/or introduces a premature termination codon (internal data). For these reasons, this variant has been classified as Pathogenic.

Ambry Genetics
Classification: Likely pathogenic for Hereditary cancer-predisposing syndrome. Last evaluated: 2023-06-05. Review status: criteria provided, single submitter. Criteria: Ambry Variant Classification Scheme 2023. Collection method: clinical testing. Allele origin: germline.
Comment: The c.7788+1G>T intronic variant results from a G to T substitution one nucleotide after coding exon 51 of the ATM gene. In silico splice site analysis predicts that this alteration will weaken the native splice donor site. The resulting transcript is predicted to be in-frame and is not expected to trigger nonsense-mediated mRNAdecay; however, direct evidence is unavailable. The exact functional effect of the altered amino acid sequence is unknown; however, the impacted region is critical for protein function (Ambry internal data). This variant is considered to be rare based on population cohorts in the Genome Aggregation Database (gnomAD). This nucleotide position is highly conserved in available vertebrate species. As such, this alteration is classified as likely pathogenic.

Department of Pathology and Laboratory Medicine, Sinai Health System
Classification: Uncertain significance. Review status: no assertion criteria provided. Collection method: clinical testing. Allele origin: unknown. Affected: yes. Study: The Canadian Open Genetics Repository (COGR). Not counted in ClinVar's aggregate classification.
Comment: The ATM c.7788+1G>T variant was not identified in the literature nor was it identified in the dbSNP or LOVD 3.0 databases. The variant was identified in ClinVar (classified as likely pathogenic by Invitae). The variant was not identified in the following databases: the Exome Aggregation Consortium (August 8th 2016) or the Genome Aggregation Database (Feb 27, 2017). The c.7788+1G>T variant is predicted to cause abnormal splicing because the nucleotide substitution occurs in the invariant region of the splice consensus sequence. In addition, 3 of 3 in silico or computational prediction software programs (SpliceSiteFinder, MaxEntScan, NNSPLICE) predict the elimination of the 5â€šÃ„Ã´ splice site. Exon skipping is a common consequence of a variant that alters splicing at the canonical splice site and exon skipping of exon 52 of the ATM gene would cause an in-frame deletion. Exon 52 is not part of a known functional domain and comprises <5% of the gene and gene product. Therefore it remains unclear whether or not this variant would disrupt the function of the gene. In summary, based on the above information the clinical significance of this variant cannot be determined with certainty at this time. This variant is classified as a variant of uncertain significance.

NM_000051.4(ATM):c.7788+1G>T

Genes: ATM (ATM serine/threonine kinase; plus strand), C11orf65 (chromosome 11 open reading frame 65; minus strand). Cytogenetic location: 11q22.3.
Variant type: single nucleotide variant.
Coding change: c.7788+1G>T on transcript NM_000051.4 (MANE Select); the canonical splice donor site of the intron after coding-DNA position 7788, G replaced by T.
Molecular consequence: splice donor variant. On other transcripts: intron variant (2).
Genome position (GRCh38, 1-based): chr11:108,332,038, G>T. VCF-style: chr11-108332038-G-T. GRCh37 (hg19) VCF-style: chr11-108202765-G-T.
Other names: c.7788+1G>T (NM_001351834.2); c.641-22967C>A (NM_001330368.2); c.*38+3182C>A (NM_001351110.2).
Identifiers: ClinVar variation 565420 (VCV000565420.12), dbSNP rs1565534524, ClinGen allele CA382561226.